The following is an entry in ClinVar:

NM_006642.5(SDCCAG8):c.497C>G (p.Ser166Cys)

Gene: SDCCAG8 (SHH signaling and ciliogenesis regulator SDCCAG8; plus strand). Cytogenetic location: 1q43.
Variant type: single nucleotide variant.
Coding change: c.497C>G on transcript NM_006642.5 (MANE Select); coding-DNA position 497, C replaced by G.
Protein change: p.Ser166Cys; replaces serine 166 with cysteine.
Molecular consequence: missense variant. On other transcripts: 5 prime UTR variant (3).
Genome position (GRCh38, 1-based): chr1:243,286,348, C>G. VCF-style: chr1-243286348-C-G. GRCh37 (hg19) VCF-style: chr1-243449650-C-G.
Other names: c.497C>G (NM_006642.3); c.-616C>G (NM_001350246.2); c.-504C>G (NM_001350247.2); c.497C>G, p.Ser166Cys (NM_001350248.2); c.203C>G, p.Ser68Cys (NM_001350249.2); c.-877C>G (NM_001350251.2); short protein forms S166C, S68C.
Identifiers: ClinVar variation 3582450 (VCV003582450.2).

ClinVar aggregate classification (germline): Uncertain significance. Review status: criteria provided, multiple submitters, no conflicts (2 of 4 stars). 2 submissions from 2 submitters: Uncertain significance (2). Last evaluated 2026-08-06.

Conditions:
Senior-Loken syndrome 7 (SLSN7). Identifiers: Orphanet 3156, MedGen C3150877, MONDO:0013326, OMIM 613615.
Bardet-Biedl syndrome 16 (BBS16). Identifiers: Orphanet 110, MedGen C3889474, MONDO:0014444, OMIM 615993.
SDCCAG8-related disorder. Also called: SDCCAG8-Related Disorders; SDCCAG8-related condition.

gnomAD v4.1: 15 of 1,613,832 alleles (0.00093%); highest among the groups gnomAD compares: African/African-American, 0.0013%; no homozygotes.

Submissions (2):

PreventionGenetics, part of Exact Sciences
Classification: Uncertain significance for SDCCAG8-related condition. Last evaluated: 2026-08-06. Review status: criteria provided, single submitter. Criteria: ACMG Guidelines, 2015. Collection method: clinical testing. Allele origin: germline.
Comment: The SDCCAG8 c.497C>G variant is predicted to result in the amino acid substitution p.Ser166Cys. To our knowledge, this variant has not been reported in the literature. This variant is reported in 0.0062% of alleles in individuals of African descent in gnomAD. At this time, the clinical significance of this variant is uncertain due to the absence of conclusive functional and genetic evidence.

Fulgent Genetics
Classification: Uncertain significance for Senior-Loken syndrome 7; Bardet-Biedl syndrome 16. Last evaluated: 2024-05-03. Review status: criteria provided, single submitter. Criteria: ACMG Guidelines, 2015. Collection method: clinical testing. Allele origin: germline.